The following is an entry in ClinVar:

ClinVar aggregate classification (germline): Conflicting classifications of pathogenicity. Review status: criteria provided, conflicting classifications (1 of 4 stars). 2 submissions from 2 submitters: Uncertain significance (1); Likely benign (1). Last evaluated 2022-07-01.

Allele frequency attached by ClinVar (database versions not stated): gnomAD 0.00001; gnomAD exomes 0.00002 and 0.00005.
gnomAD v4.1: 69 of 1,524,840 alleles (0.0045%); highest among the groups gnomAD compares: Non-Finnish European, 0.0055%; no homozygotes.

Submissions (2):

CeGaT Center for Human Genetics Tuebingen
Classification: Likely benign. Last evaluated: 2022-07-01. Review status: criteria provided, single submitter. Criteria: CeGaT Center For Human Genetics Tuebingen Variant Classification Criteria Version 2. Collection method: clinical testing. Allele origin: germline. Affected: yes. Observed: 1 variant allele.
Comment: ARID1B: BP4

Genetic Services Laboratory, University of Chicago
Classification: Uncertain significance. Last evaluated: 2015-06-29. Review status: criteria provided, single submitter. Criteria: ACMG Guidelines, 2015. Collection method: clinical testing. Allele origin: germline.

NM_001374828.1(ARID1B):c.247A>G (p.Asn83Asp)

Genes: ARID1B (AT-rich interaction domain 1B; plus strand), LOC129997523 (ATAC-STARR-seq lymphoblastoid silent region 17710; plus strand), LOC115308161 (uncharacterized LOC115308161; minus strand). Cytogenetic location: 6q25.3.
Variant type: single nucleotide variant.
Coding change: c.247A>G on transcript NM_001374828.1 (MANE Select); coding-DNA position 247, A replaced by G.
Protein change: p.Asn83Asp; replaces asparagine 83 with aspartic acid.
Molecular consequence: missense variant.
Genome position (GRCh38, 1-based): chr6:156,777,927, A>G. VCF-style: chr6-156777927-A-G. GRCh37 (hg19) VCF-style: chr6-157099061-A-G.
Other names: c.-3A>G (NM_020732.3); c.247A>G, p.Asn83Asp (NM_001371656.1, NM_001374820.1, NM_017519.3); short protein forms N83D.
Identifiers: ClinVar variation 210264 (VCV000210264.30), dbSNP rs797045266, ClinGen allele CA205414.